The following is an entry in ClinVar:

NM_001845.6(COL4A1):c.41C>T (p.Ala14Val)

Gene: COL4A1 (collagen type IV alpha 1 chain; minus strand). Cytogenetic location: 13q34.
Variant type: single nucleotide variant.
Coding change: c.41C>T on transcript NM_001845.6 (MANE Select); coding-DNA position 41, C replaced by T.
Protein change: p.Ala14Val; replaces alanine 14 with valine.
Molecular consequence: missense variant.
Genome position (GRCh38, 1-based): chr13:110,306,987, G>A on the plus strand (C>T on the coding strand, the complement: COL4A1 is on the minus strand). VCF-style: chr13-110306987-G-A. GRCh37 (hg19) VCF-style: chr13-110959334-G-A.
Other names: c.41C>T, p.Ala14Val (NM_001303110.2); short protein forms A14V.
Identifiers: ClinVar variation 3575764 (VCV003575764.3).

ClinVar aggregate classification (germline): Uncertain significance. Review status: criteria provided, multiple submitters, no conflicts (2 of 4 stars). 2 submissions from 2 submitters: Uncertain significance (2). Last evaluated 2024-12-19.

Conditions:
Brain small vessel disease 1 with or without ocular anomalies (BSVD1). Also called: BRAIN SMALL VESSEL DISEASE WITH HEMORRHAGE; Brain small vessel disease with or without ocular anomalies; GOULD SYNDROME 1; PORENCEPHALY, TYPE 1, AUTOSOMAL DOMINANT. Identifiers: Orphanet 2940, Orphanet 36383, Orphanet 99810, MedGen C4755307, MONDO:0008289, OMIM 175780.
Hemorrhage, intracerebral, susceptibility to (ICH). Also called: Stroke, hemorrhagic, susceptibility to. Identifiers: MedGen C3281105, MONDO:0100533, OMIM 614519.
Retinal arterial tortuosity. Also called: RETINAL HEMORRHAGE WITH VASCULAR TORTUOSITY; Retinal arteries, tortuosity of. Identifiers: Orphanet 75326, MedGen C0423401, MONDO:0008373, OMIM 180000, HP:0000631.
Autosomal dominant familial hematuria-retinal arteriolar tortuosity-contractures syndrome. Also called: Angiopathy, hereditary, with nephropathy, aneurysms, and muscle cramps; Hereditary Angiopathy with Nephropathy, Aneurysms, and Muscle Cramps (HANAC) Syndrome. Identifiers: Orphanet 73229, MedGen C2673195, MONDO:0012726, OMIM 611773.
Microangiopathy and leukoencephalopathy, pontine, autosomal dominant. Also called: DEMENTIA, HEREDITARY MULTI-INFARCT, SWEDISH TYPE; Pontine autosomal dominant microangiopathy with leukoencephalopathy. Identifiers: Orphanet 477749, MedGen C5231411, MONDO:0032814, OMIM 618564.

gnomAD v4.1: 2 of 1,477,554 alleles (0.00014%); highest among the groups gnomAD compares: South Asian, 0.0013%; no homozygotes.

Submissions (2):

Labcorp Genetics (formerly Invitae), Labcorp
Classification: Uncertain significance. Last evaluated: 2024-12-19. Review status: criteria provided, single submitter. Criteria: Invitae Variant Classification Sherloc (09022015). Collection method: clinical testing. Allele origin: germline.
Comment: This sequence change replaces alanine, which is neutral and non-polar, with valine, which is neutral and non-polar, at codon 14 of the COL4A1 protein (p.Ala14Val). The frequency data for this variant in the population databases is considered unreliable, as metrics indicate poor data quality at this position in the gnomAD database. This variant has not been reported in the literature in individuals affected with COL4A1-related conditions. Invitae Evidence Modeling of protein sequence and biophysical properties (such as structural, functional, and spatial information, amino acid conservation, physicochemical variation, residue mobility, and thermodynamic stability) indicates that this missense variant is not expected to disrupt COL4A1 protein function with a negative predictive value of 95%. In summary, the available evidence is currently insufficient to determine the role of this variant in disease. Therefore, it has been classified as a Variant of Uncertain Significance.

Fulgent Genetics
Classification: Uncertain significance for Brain small vessel disease 1 with or without ocular anomalies; Retinal arterial tortuosity; Autosomal dominant familial hematuria-retinal arteriolar tortuosity-contractures syndrome; Hemorrhage, intracerebral, susceptibility to; Microangiopathy and leukoencephalopathy, pontine, autosomal dominant. Last evaluated: 2024-04-13. Review status: criteria provided, single submitter. Criteria: ACMG Guidelines, 2015. Collection method: clinical testing. Allele origin: germline.